The following is an entry in ClinVar:

NM_153717.3(EVC):c.1949C>T (p.Ala650Val)

Gene: EVC (EvC ciliary complex subunit 1; plus strand). Cytogenetic location: 4p16.2.
Variant type: single nucleotide variant.
Coding change: c.1949C>T on transcript NM_153717.3 (MANE Select); coding-DNA position 1949, C replaced by T.
Protein change: p.Ala650Val; replaces alanine 650 with valine.
Molecular consequence: missense variant.
Genome position (GRCh38, 1-based): chr4:5,797,084, C>T. VCF-style: chr4-5797084-C-T. GRCh37 (hg19) VCF-style: chr4-5798811-C-T.
Other names: c.1949C>T, p.Ala650Val (NM_001306090.2); short protein forms A650V.
Identifiers: ClinVar variation 2936651 (VCV002936651.3), dbSNP rs2474382537, ClinGen allele CA356143807.

ClinVar aggregate classification (germline): Uncertain significance (1 of 4 stars; one submission).

Conditions:
Curry-Hall syndrome (WAD). Also called: WEYERS ACRODENTAL DYSOSTOSIS. Identifiers: Orphanet 952, MedGen C0457013, MONDO:0008673, OMIM 193530.
Ellis-van Creveld syndrome (EVC). Also called: EVC-Related Ellis-van Creveld Syndrome; EVC2-Related Ellis-van Creveld Syndrome; MESOECTODERMAL DYSPLASIA; Chondroectodermal dysplasia. Identifiers: Orphanet 289, MedGen C0013903, MONDO:0009162, OMIM 225500.

gnomAD v4.1: 1 of 1,613,474 alleles (0.000062%); highest among the groups gnomAD compares: Non-Finnish European, 0.000085%; no homozygotes.

Submission:

Labcorp Genetics (formerly Invitae), Labcorp
Classification: Uncertain significance for Curry-Hall syndrome; Ellis-van Creveld syndrome. Last evaluated: 2024-10-22. Review status: criteria provided, single submitter. Criteria: Invitae Variant Classification Sherloc (09022015). Collection method: clinical testing. Allele origin: germline.
Comment: This sequence change replaces alanine, which is neutral and non-polar, with valine, which is neutral and non-polar, at codon 650 of the EVC protein (p.Ala650Val). This variant is not present in population databases (gnomAD no frequency). This variant has not been reported in the literature in individuals affected with EVC-related conditions. Invitae Evidence Modeling of protein sequence and biophysical properties (such as structural, functional, and spatial information, amino acid conservation, physicochemical variation, residue mobility, and thermodynamic stability) indicates that this missense variant is not expected to disrupt EVC protein function with a negative predictive value of 95%. In summary, the available evidence is currently insufficient to determine the role of this variant in disease. Therefore, it has been classified as a Variant of Uncertain Significance.